The following is an entry in ClinVar:

NM_022725.4(FANCF):c.910T>C (p.Trp304Arg)

Genes: FANCF (FA complementation group F; minus strand), LOC130005444 (ATAC-STARR-seq lymphoblastoid active region 4534; plus strand). Cytogenetic location: 11p14.3.
Variant type: single nucleotide variant.
Coding change: c.910T>C on transcript NM_022725.4 (MANE Select); coding-DNA position 910, T replaced by C.
Protein change: p.Trp304Arg; replaces tryptophan 304 with arginine.
Molecular consequence: missense variant.
Genome position (GRCh38, 1-based): chr11:22,624,901, A>G on the plus strand (T>C on the coding strand, the complement: FANCF is on the minus strand). VCF-style: chr11-22624901-A-G. GRCh37 (hg19) VCF-style: chr11-22646447-A-G.
Other names: short protein forms W304R.
Identifiers: ClinVar variation 4775035 (VCV004775035.1).

ClinVar aggregate classification (germline): Uncertain significance (1 of 4 stars; one submission).

Conditions:
Fanconi anemia (FA). Also called: Fanconi's anemia. Identifiers: Orphanet 84, MedGen C0015625, MeSH D005199, MONDO:0019391.

gnomAD v4.1: 1 of 1,614,178 alleles (0.000062%); highest among the groups gnomAD compares: Non-Finnish European, 0.000085%; no homozygotes.

Submission:

Labcorp Genetics (formerly Invitae), Labcorp
Classification: Uncertain significance for Fanconi anemia. Last evaluated: 2025-10-12. Review status: criteria provided, single submitter. Criteria: Invitae Variant Classification Sherloc (09022015). Collection method: clinical testing. Allele origin: germline.
Comment: This sequence change replaces tryptophan, which is neutral and slightly polar, with arginine, which is basic and polar, at codon 304 of the FANCF protein (p.Trp304Arg). This variant is not present in population databases (gnomAD no frequency). This variant has not been reported in the literature in individuals affected with FANCF-related conditions. Invitae Evidence Modeling of protein sequence and biophysical properties (such as structural, functional, and spatial information, amino acid conservation, physicochemical variation, residue mobility, and thermodynamic stability) indicates that this missense variant is expected to disrupt FANCF protein function with a positive predictive value of 80%. In summary, the available evidence is currently insufficient to determine the role of this variant in disease. Therefore, it has been classified as a Variant of Uncertain Significance.